The following is an entry in ClinVar:

ClinVar aggregate classification (germline): Likely benign. Review status: criteria provided, multiple submitters, no conflicts (2 of 4 stars). 3 submissions from 3 submitters: Likely benign (2). 1 of the submissions does not count toward it. Last evaluated 2026-01-31.

Conditions:
FRAS1-related disorder. Also called: FRAS1-related condition.
Fraser syndrome 1 (FRASRS1). Also called: CRYPTOPHTHALMOS WITH OTHER MALFORMATIONS. Identifiers: Orphanet 2052, MedGen C4551480, MONDO:0054737, OMIM 219000.

Allele frequency attached by ClinVar (database versions not stated): gnomAD exomes 0.00005 and 0.00011; ExAC 0.00023; ESP Exome Variant Server 0.00050; gnomAD 0.00057 and 0.00063; 1000 Genomes Project 0.00060; 1000 Genomes Project 30x 0.00062; TOPMed 0.00073.
gnomAD v4.1: 158 of 1,608,924 alleles (0.0098%); highest among the groups gnomAD compares: African/African-American, 0.18%; no homozygotes.

Submissions (3):

Labcorp Genetics (formerly Invitae), Labcorp
Classification: Likely benign. Last evaluated: 2026-01-31. Review status: criteria provided, single submitter. Criteria: Invitae Variant Classification Sherloc (09022015). Collection method: clinical testing. Allele origin: germline.

Fulgent Genetics
Classification: Likely benign for Fraser syndrome 1. Last evaluated: 2021-07-30. Review status: criteria provided, single submitter. Criteria: ACMG Guidelines, 2015. Collection method: clinical testing. Allele origin: unknown.

PreventionGenetics, part of Exact Sciences
Classification: Likely benign for FRAS1-related condition. Last evaluated: 2020-02-25. Review status: no assertion criteria provided. Collection method: clinical testing. Allele origin: germline. Not counted in ClinVar's aggregate classification.
Comment: This variant is classified as likely benign based on ACMG/AMP sequence variant interpretation guidelines (Richards et al. 2015 PMID: 25741868, with internal and published modifications).

NM_025074.7(FRAS1):c.5010A>G (p.Leu1670=)

Gene: FRAS1 (Fraser extracellular matrix complex subunit 1; plus strand). Cytogenetic location: 4q21.21.
Variant type: single nucleotide variant.
Coding change: c.5010A>G on transcript NM_025074.7 (MANE Select); coding-DNA position 5010, A replaced by G.
Protein change: p.Leu1670=; no amino-acid change (leucine 1670 retained).
Molecular consequence: synonymous variant.
Genome position (GRCh38, 1-based): chr4:78,432,397, A>G. VCF-style: chr4-78432397-A-G. GRCh37 (hg19) VCF-style: chr4-79353551-A-G.
Other names: c.5010A>G, p.Leu1670= (NM_001166133.2).
Identifiers: ClinVar variation 755253 (VCV000755253.9), dbSNP rs187816883, ClinGen allele CA2977402.